The following is an entry in ClinVar:

ClinVar aggregate classification (germline): Uncertain significance (1 of 4 stars; one submission).

Allele frequency attached by ClinVar (database versions not stated): gnomAD 0.00001.
gnomAD v4.1: 1 of 1,487,608 alleles (0.000067%); highest among the groups gnomAD compares: African/African-American, 0.0014%; no homozygotes.

Submission:

Labcorp Genetics (formerly Invitae), Labcorp
Classification: Uncertain significance. Last evaluated: 2022-07-19. Review status: criteria provided, single submitter. Criteria: Invitae Variant Classification Sherloc (09022015). Collection method: clinical testing. Allele origin: germline.
Comment: In summary, the available evidence is currently insufficient to determine the role of this variant in disease. Therefore, it has been classified as a Variant of Uncertain Significance. Algorithms developed to predict the effect of missense changes on protein structure and function (SIFT, PolyPhen-2, Align-GVGD) all suggest that this variant is likely to be tolerated. This sequence change replaces methionine, which is neutral and non-polar, with lysine, which is basic and polar, at codon 324 of the IL12RB2 protein (p.Met324Lys). This variant is not present in population databases (gnomAD no frequency). This variant has not been reported in the literature in individuals affected with IL12RB2-related conditions. ClinVar contains an entry for this variant (Variation ID: 1379800).

NM_001374259.2(IL12RB2):c.971T>A (p.Met324Lys)

Gene: IL12RB2 (interleukin 12 receptor subunit beta 2; plus strand). Cytogenetic location: 1p31.3.
Variant type: single nucleotide variant.
Coding change: c.971T>A on transcript NM_001374259.2 (MANE Select); coding-DNA position 971, T replaced by A.
Protein change: p.Met324Lys; replaces methionine 324 with lysine.
Molecular consequence: missense variant. On other transcripts: non-coding transcript variant (2).
Genome position (GRCh38, 1-based): chr1:67,338,636, T>A. VCF-style: chr1-67338636-T-A. GRCh37 (hg19) VCF-style: chr1-67804319-T-A.
Other names: c.971T>A, p.Met324Lys (NM_001258214.1, NM_001258215.1, NM_001258216.1 and 2 more transcripts); short protein forms M324K.
Identifiers: ClinVar variation 1379800 (VCV001379800.8), dbSNP rs887453058, ClinGen allele CA340734658.